The following is an entry in ClinVar:

NM_000969.5(RPL5):c.232G>A (p.Ala78Thr)

Genes: DIPK1A (divergent protein kinase domain 1A; minus strand), RPL5 (ribosomal protein L5; plus strand). Cytogenetic location: 1p22.1.
Variant type: single nucleotide variant.
Coding change: c.232G>A on transcript NM_000969.5 (MANE Select); coding-DNA position 232, G replaced by A.
Protein change: p.Ala78Thr; replaces alanine 78 with threonine.
Molecular consequence: missense variant. On other transcripts: non-coding transcript variant (1), intron variant (1).
Genome position (GRCh38, 1-based): chr1:92,834,821, G>A. VCF-style: chr1-92834821-G-A. GRCh37 (hg19) VCF-style: chr1-93300378-G-A.
Other names: c.475-1787C>T (NM_001252273.2); short protein forms A78T.
Identifiers: ClinVar variation 1994683 (VCV001994683.4), dbSNP rs2524452446, ClinGen allele CA341241530.

ClinVar aggregate classification (germline): Uncertain significance (1 of 4 stars; one submission).

Conditions:
Diamond-Blackfan anemia. Also called: Blackfan Diamond syndrome; Aregenerative anemia chronic congenital; Red cell aplasia, pure hereditary; Congenital hypoplastic anemia; Aase syndrome. Identifiers: Orphanet 124, MedGen C1260899, MeSH D029503, MONDO:0015253, HP:0004810.

Submission:

Labcorp Genetics (formerly Invitae), Labcorp
Classification: Uncertain significance for Diamond-Blackfan anemia. Last evaluated: 2025-07-17. Review status: criteria provided, single submitter. Criteria: Invitae Variant Classification Sherloc (09022015). Collection method: clinical testing. Allele origin: germline.
Comment: This sequence change replaces alanine, which is neutral and non-polar, with threonine, which is neutral and polar, at codon 78 of the RPL5 protein (p.Ala78Thr). This variant is not present in population databases (gnomAD no frequency). This variant has not been reported in the literature in individuals affected with RPL5-related conditions. ClinVar contains an entry for this variant (Variation ID: 1994683). Invitae Evidence Modeling of protein sequence and biophysical properties (such as structural, functional, and spatial information, amino acid conservation, physicochemical variation, residue mobility, and thermodynamic stability) indicates that this missense variant is expected to disrupt RPL5 protein function with a positive predictive value of 80%. In summary, the available evidence is currently insufficient to determine the role of this variant in disease. Therefore, it has been classified as a Variant of Uncertain Significance.